The following is an entry in ClinVar:

ClinVar aggregate classification (germline): Uncertain significance (1 of 4 stars; one submission).

Submission:

Women's Health and Genetics/Laboratory Corporation of America, LabCorp
Classification: Uncertain significance. Last evaluated: 2024-10-08. Review status: criteria provided, single submitter. Criteria: LabCorp Variant Classification Summary - May 2015. Collection method: clinical testing. Allele origin: germline.
Comment: Variant summary: MYOT c.12C>G (p.Tyr4X) results in a premature termination codon, predicted to cause a truncation of the encoded protein or absence of the protein due to nonsense mediated decay, however current evidence is not sufficient to establish loss of function as a mechanism for disease. The variant was absent in 250700 control chromosomes. The available data on variant occurrences in the general population are insufficient to allow any conclusion about variant significance. To our knowledge, no occurrence of c.12C>G in individuals affected with Spheroid Body Myopathy and no experimental evidence demonstrating its impact on protein function have been reported. No submitters have cited clinical-significance assessments for this variant to ClinVar. Based on the evidence outlined above, the variant was classified as uncertain significance.

NM_006790.3(MYOT):c.12C>G (p.Tyr4Ter)

Genes: MYOT (myotilin; plus strand), PKD2L2-DT (PKD2L2 divergent transcript; minus strand). Cytogenetic location: 5q31.2.
Variant type: single nucleotide variant.
Coding change: c.12C>G on transcript NM_006790.3 (MANE Select); coding-DNA position 12, C replaced by G.
Protein change: p.Tyr4Ter; replaces tyrosine 4 with a stop codon.
Molecular consequence: nonsense. On other transcripts: intron variant (2).
Genome position (GRCh38, 1-based): chr5:137,870,663, C>G. VCF-style: chr5-137870663-C-G. GRCh37 (hg19) VCF-style: chr5-137206352-C-G.
Other names: c.-121+138C>G (NM_001300911.2); c.-197+138C>G (NM_001135940.2); short protein forms Y4*.
Identifiers: ClinVar variation 3384837 (VCV003384837.1).